The following is an entry in ClinVar:

NC_000023.11:g.(?_32697860)_(32699303_?)dup

Gene: DMD (dystrophin; minus strand). Cytogenetic location: Xp21.1.
Variant type: Duplication.
Identifiers: ClinVar variation 832794 (VCV000832794.1).

ClinVar aggregate classification (germline): Pathogenic (1 of 4 stars; one submission).

Conditions:
Duchenne muscular dystrophy (DMD). Also called: Duchenne Muscular Dystrophy (DMD); MUSCULAR DYSTROPHY, PSEUDOHYPERTROPHIC PROGRESSIVE, DUCHENNE TYPE. Identifiers: Orphanet 98896, MedGen C0013264, MONDO:0010679, OMIM 310200.

Submission:

Labcorp Genetics (formerly Invitae), Labcorp
Classification: Pathogenic for Duchenne muscular dystrophy. Last evaluated: 2019-11-27. Review status: criteria provided, single submitter. Criteria: Invitae Variant Classification Sherloc (09022015). Collection method: clinical testing. Allele origin: germline.
Comment: This variant results in a copy number gain of the genomic region encompassing exons 8-9 of the DMD gene. While the exact position of this variant cannot be determined from this data, sub-genic copy number gains are generally in tandem (PMID: 25640679) and may result in an absent or disrupted protein product. Similar copy number gains of exons 8-9 have been observed in several individuals affected with DMD-related dystrophinopathies (PMID: 1868831, 7668256, 16917894, 18752307, 26911353). Loss-of-function variants in DMD are known to be pathogenic (PMID: 16770791, 25007885). For these reasons, this variant has been classified as Pathogenic.

Literature cited by the submitters: PubMed 16917894; PubMed 26911353; PubMed 7668256; PubMed 18752307; PubMed 1868831.